The following is an entry in ClinVar:

ClinVar aggregate classification (germline): Uncertain significance. Review status: criteria provided, multiple submitters, no conflicts (2 of 4 stars). 5 submissions from 5 submitters: Uncertain significance (5). Last evaluated 2026-01-06.

Conditions:
Renal cell carcinoma. Identifiers: Orphanet 217071, MedGen C0007134, MeSH D002292, MONDO:0005086, HP:0005584.
Autosomal recessive nonsyndromic hearing loss 97. Also called: Deafness, autosomal recessive 97. Identifiers: Orphanet 90636, MedGen C4084709, MONDO:0014739, OMIM 616705.
Hepatocellular carcinoma (HCC). Also called: Primary carcinoma of liver; HEPATOMA; LIVER CELL CARCINOMA. Identifiers: Orphanet 88673, MedGen C2239176, MONDO:0007256, OMIM 114550, HP:0001402.
Papillary renal cell carcinoma type 1 (RCCP1). Also called: Renal adenocarcinoma; Renal cell carcinoma 1; Renal cell carcinoma, somatic; RENAL CELL CARCINOMA, PAPILLARY, 1, SOMATIC. Identifiers: Orphanet 47044, MedGen C1336839, OMIM 605074, HP:0011797.
Osteofibrous dysplasia (OSFD). Also called: Tibia, bowing of, with pseudarthrosis and pectus excavatum. Identifiers: Orphanet 488265, MedGen C4085248, MONDO:0011806, OMIM 607278.
Hereditary cancer-predisposing syndrome. Also called: Hereditary Cancer Syndrome; Tumor predisposition; Hereditary neoplastic syndrome; Neoplastic Syndromes, Hereditary. Identifiers: Orphanet 140162, MedGen C0027672, MeSH D009386, MONDO:0015356.

Allele frequency attached by ClinVar (database versions not stated): gnomAD exomes 0.00001; TOPMed below 0.00001.

Submissions (5):

Labcorp Genetics (formerly Invitae), Labcorp
Classification: Uncertain significance for Renal cell carcinoma. Last evaluated: 2026-01-06. Review status: criteria provided, single submitter. Criteria: Invitae Variant Classification Sherloc (09022015). Collection method: clinical testing. Allele origin: germline.
Comment: This sequence change replaces aspartic acid, which is acidic and polar, with asparagine, which is neutral and polar, at codon 482 of the MET protein (p.Asp482Asn). This variant is present in population databases (no rsID available, gnomAD 0.003%). This variant has not been reported in the literature in individuals affected with MET-related conditions. ClinVar contains an entry for this variant (Variation ID: 216498). Invitae Evidence Modeling of protein sequence and biophysical properties (such as structural, functional, and spatial information, amino acid conservation, physicochemical variation, residue mobility, and thermodynamic stability) indicates that this missense variant is expected to disrupt MET protein function with a positive predictive value of 80%. In summary, the available evidence is currently insufficient to determine the role of this variant in disease. Therefore, it has been classified as a Variant of Uncertain Significance.

GeneDx
Classification: Uncertain significance. Last evaluated: 2024-11-05. Review status: criteria provided, single submitter. Criteria: GeneDx Variant Classification Process June 2021. Collection method: clinical testing. Allele origin: germline.
Comment: Not observed at significant frequency in large population cohorts (gnomAD); In silico analysis indicates that this missense variant does not alter protein structure/function; Has not been previously published as pathogenic or benign to our knowledge

Ambry Genetics
Classification: Uncertain significance for Hereditary cancer-predisposing syndrome. Last evaluated: 2024-04-16. Review status: criteria provided, single submitter. Criteria: Ambry Variant Classification Scheme 2023. Collection method: clinical testing. Allele origin: germline.
Comment: The p.D482N variant (also known as c.1444G>A), located in coding exon 3 of the MET gene, results from a G to A substitution at nucleotide position 1444. The aspartic acid at codon 482 is replaced by asparagine, an amino acid with highly similar properties. This amino acid position is highly conserved in available vertebrate species. In addition, this alteration is predicted to be tolerated by in silico analysis. Based on the available evidence, the clinical significance of this variant remains unclear.

Fulgent Genetics
Classification: Uncertain significance for Hepatocellular carcinoma; Papillary renal cell carcinoma type 1; Osteofibrous dysplasia; Autosomal recessive nonsyndromic hearing loss 97. Last evaluated: 2018-10-31. Review status: criteria provided, single submitter. Criteria: ACMG Guidelines, 2015. Collection method: clinical testing. Allele origin: unknown.

Mendelics
Classification: Uncertain significance for Renal cell carcinoma, papillary, 1. Last evaluated: 2018-07-02. Review status: criteria provided, single submitter. Criteria: Mendelics Assertion Criteria 2017. Collection method: clinical testing. Allele origin: unknown.

NM_000245.4(MET):c.1444G>A (p.Asp482Asn)

Gene: MET (MET proto-oncogene, receptor tyrosine kinase; plus strand). Cytogenetic location: 7q31.2.
Variant type: single nucleotide variant.
Coding change: c.1444G>A on transcript NM_000245.4 (MANE Select); coding-DNA position 1444, G replaced by A.
Protein change: p.Asp482Asn; replaces aspartic acid 482 with asparagine.
Molecular consequence: missense variant.
Genome position (GRCh38, 1-based): chr7:116,740,001, G>A. VCF-style: chr7-116740001-G-A. GRCh37 (hg19) VCF-style: chr7-116380055-G-A.
Other names: c.1444G>A, p.Asp482Asn (NM_001127500.3, NM_001324401.3); c.154G>A, p.Asp52Asn (NM_001324402.2); short protein forms D482N, D52N.
Identifiers: ClinVar variation 216498 (VCV000216498.15), dbSNP rs863224694, ClinGen allele CA338128.